The following is an entry in ClinVar:

ClinVar aggregate classification (germline): Uncertain significance (1 of 4 stars; one submission).

Submission:

Labcorp Genetics (formerly Invitae), Labcorp
Classification: Uncertain significance. Last evaluated: 2021-07-28. Review status: criteria provided, single submitter. Criteria: Invitae Variant Classification Sherloc (09022015). Collection method: clinical testing. Allele origin: germline.
Comment: This sequence change replaces valine with methionine at codon 643 of the ITGAM protein (p.Val643Met). The valine residue is weakly conserved and there is a small physicochemical difference between valine and methionine. In summary, the available evidence is currently insufficient to determine the role of this variant in disease. Therefore, it has been classified as a Variant of Uncertain Significance. Algorithms developed to predict the effect of sequence changes on RNA splicing suggest that this variant may create or strengthen a splice site. Experimental studies and prediction algorithms are not available or were not evaluated, and the functional significance of this variant is currently unknown. This variant has not been reported in the literature in individuals affected with ITGAM-related conditions. The frequency data for this variant in the population databases is not available, as this variant may be reported as separate entries in the ExAC database.

NM_000632.4(ITGAM):c.1926_1927delinsAA (p.Val643Met)

Gene: ITGAM (integrin subunit alpha M; plus strand). Cytogenetic location: 16p11.2.
Variant type: Indel.
Coding change: c.1926_1927delinsAA on transcript NM_000632.4 (MANE Select); coding-DNA positions 1926 to 1927, GG replaced by AA.
Protein change: p.Val643Met; replaces valine 643 with methionine.
Molecular consequence: missense variant.
Genome position (GRCh38, 1-based): chr16:31,321,551-31,321,552, GG replaced by AA. VCF-style: chr16-31321551-GG-AA. GRCh37 (hg19) VCF-style: chr16-31332872-GG-AA.
Other names: c.1929_1930delinsAA, p.Val644Met (NM_001145808.2); short protein forms V644M, V643M.
Identifiers: ClinVar variation 1483645 (VCV001483645.6), dbSNP rs2144482866, ClinGen allele CA2573152305.